The following is an entry in ClinVar:

NM_021076.4(NEFH):c.67A>G (p.Ser23Gly)

Gene: NEFH (neurofilament heavy chain; plus strand). Cytogenetic location: 22q12.2.
Variant type: single nucleotide variant.
Coding change: c.67A>G on transcript NM_021076.4 (MANE Select); coding-DNA position 67, A replaced by G.
Protein change: p.Ser23Gly; replaces serine 23 with glycine.
Molecular consequence: missense variant.
Genome position (GRCh38, 1-based): chr22:29,480,329, A>G. VCF-style: chr22-29480329-A-G. GRCh37 (hg19) VCF-style: chr22-29876318-A-G.
Other names: short protein forms S23G.
Identifiers: ClinVar variation 1373217 (VCV001373217.6), dbSNP rs1395326623, ClinGen allele CA411121125.

ClinVar aggregate classification (germline): Uncertain significance (1 of 4 stars; one submission).

Allele frequency attached by ClinVar (database versions not stated): TOPMed below 0.00001; gnomAD 0.00001; gnomAD exomes 0.00001.
gnomAD v4.1: 7 of 1,508,422 alleles (0.00046%); highest among the groups gnomAD compares: Non-Finnish European, 0.00061%; no homozygotes.

Submission:

Labcorp Genetics (formerly Invitae), Labcorp
Classification: Uncertain significance. Last evaluated: 2021-08-07. Review status: criteria provided, single submitter. Criteria: Invitae Variant Classification Sherloc (09022015). Collection method: clinical testing. Allele origin: germline.
Comment: In summary, the available evidence is currently insufficient to determine the role of this variant in disease. Therefore, it has been classified as a Variant of Uncertain Significance. Advanced modeling of protein sequence and biophysical properties (such as structural, functional, and spatial information, amino acid conservation, physicochemical variation, residue mobility, and thermodynamic stability) performed at Invitae indicates that this missense variant is not expected to disrupt NEFH protein function. This variant has not been reported in the literature in individuals affected with NEFH-related conditions. The frequency data for this variant in the population databases is considered unreliable, as metrics indicate insufficient coverage at this position in the ExAC database. This sequence change replaces serine with glycine at codon 23 of the NEFH protein (p.Ser23Gly). The serine residue is highly conserved and there is a small physicochemical difference between serine and glycine.